The following is an entry in ClinVar:

ClinVar aggregate classification (germline): Likely pathogenic (1 of 4 stars; one submission).

Conditions:
Spermatogenic failure 81 (SPGF81). Identifiers: MedGen C5830329, MONDO:0859522, OMIM 620277.

gnomAD v4.1: 43 of 1,609,682 alleles (0.0027%); highest among the groups gnomAD compares: Middle Eastern, 0.017%; 1 homozygote.

Submission:

First Genomix Gene Laboratory, Genetic Diagnostics Department
Classification: Likely pathogenic for Spermatogenic failure 81. Last evaluated: 2025-06-04. Review status: criteria provided, single submitter. Criteria: ACMG Guidelines, 2015. Collection method: clinical testing. Allele origin: germline. Inheritance: Autosomal recessive inheritance. Affected: no. Observed: 1 variant allele.

NM_031898.3(TEKT3):c.734+1G>A

Gene: TEKT3 (tektin 3; minus strand). Cytogenetic location: 17p12.
Variant type: single nucleotide variant.
Coding change: c.734+1G>A on transcript NM_031898.3 (MANE Select); the canonical splice donor site of the intron after coding-DNA position 734, G replaced by A.
Molecular consequence: splice donor variant.
Genome position (GRCh38, 1-based): chr17:15,319,076, C>T on the plus strand (G>A on the coding strand, the complement: TEKT3 is on the minus strand). VCF-style: chr17-15319076-C-T. GRCh37 (hg19) VCF-style: chr17-15222393-C-T.
Identifiers: ClinVar variation 4849436 (VCV004849436.1).